The following is an entry in ClinVar:

NM_001174089.2(SLC4A11):c.247G>A (p.Glu83Lys)

Gene: SLC4A11 (solute carrier family 4 member 11; minus strand). Cytogenetic location: 20p13.
Variant type: single nucleotide variant.
Coding change: c.247G>A on transcript NM_001174089.2 (MANE Select); coding-DNA position 247, G replaced by A.
Protein change: p.Glu83Lys; replaces glutamic acid 83 with lysine.
Molecular consequence: missense variant. On other transcripts: non-coding transcript variant (3).
Genome position (GRCh38, 1-based): chr20:3,234,612, C>T on the plus strand (G>A on the coding strand, the complement: SLC4A11 is on the minus strand). VCF-style: chr20-3234612-C-T. GRCh37 (hg19) VCF-style: chr20-3215258-C-T.
Other names: c.376G>A, p.Glu126Lys (NM_001174090.2, NM_001400280.1); c.247G>A, p.Glu83Lys (NM_001363745.2); c.190G>A, p.Glu64Lys (NM_001400277.1, NM_001400278.1, NM_001400279.1); c.295G>A, p.Glu99Lys (NM_032034.4); short protein forms E126K, E64K, E83K, E99K.
Identifiers: ClinVar variation 2180877 (VCV002180877.1), dbSNP rs918595763, ClinGen allele CA310994731.

ClinVar aggregate classification (germline): Uncertain significance (1 of 4 stars; one submission).

Allele frequency attached by ClinVar (database versions not stated): gnomAD 0.00001; TOPMed 0.00001; gnomAD exomes 0.00003.
gnomAD v4.1: 49 of 1,613,794 alleles (0.003%); highest among the groups gnomAD compares: Non-Finnish European, 0.0038%; no homozygotes.

Submission:

Labcorp Genetics (formerly Invitae), Labcorp
Classification: Uncertain significance. Last evaluated: 2021-08-26. Review status: criteria provided, single submitter. Criteria: Invitae Variant Classification Sherloc (09022015). Collection method: clinical testing. Allele origin: germline.
Comment: This sequence change replaces glutamic acid with lysine at codon 99 of the SLC4A11 protein (p.Glu99Lys). The glutamic acid residue is weakly conserved and there is a small physicochemical difference between glutamic acid and lysine. This variant is not present in population databases (ExAC no frequency). This variant has not been reported in the literature in individuals affected with SLC4A11-related conditions. Algorithms developed to predict the effect of missense changes on protein structure and function (SIFT, PolyPhen-2, Align-GVGD) all suggest that this variant is likely to be tolerated. In summary, the available evidence is currently insufficient to determine the role of this variant in disease. Therefore, it has been classified as a Variant of Uncertain Significance.